The following is an entry in ClinVar:

NM_024422.6(DSC2):c.2236G>A (p.Gly746Arg)

Gene: DSC2 (desmocollin 2; minus strand). Cytogenetic location: 18q12.1.
Variant type: single nucleotide variant.
Coding change: c.2236G>A on transcript NM_024422.6 (MANE Select); coding-DNA position 2236, G replaced by A.
Protein change: p.Gly746Arg; replaces glycine 746 with arginine.
Molecular consequence: missense variant.
Genome position (GRCh38, 1-based): chr18:31,070,740, C>T on the plus strand (G>A on the coding strand, the complement: DSC2 is on the minus strand). VCF-style: chr18-31070740-C-T. GRCh37 (hg19) VCF-style: chr18-28650706-C-T.
Other names: c.2236G>A, p.Gly746Arg (NM_004949.5); short protein forms G746R.
Identifiers: ClinVar variation 1035025 (VCV001035025.8), dbSNP rs1986795375, ClinGen allele CA402112326.

ClinVar aggregate classification (germline): Uncertain significance (1 of 4 stars; one submission).

Conditions:
Arrhythmogenic right ventricular dysplasia 11. Also called: Arrhythmogenic Right Ventricular Dysplasia/Cardiomyopathy11; ARRHYTHMOGENIC RIGHT VENTRICULAR DYSPLASIA, FAMILIAL, 11; Arrhythmogenic right ventricular dysplasia 11 with mild palmoplantar keratoderma and woolly hair. Identifiers: MedGen C1864850, MONDO:0012506, OMIM 610476.

Submission:

Labcorp Genetics (formerly Invitae), Labcorp
Classification: Uncertain significance for Arrhythmogenic right ventricular dysplasia 11. Last evaluated: 2020-10-29. Review status: criteria provided, single submitter. Criteria: Invitae Variant Classification Sherloc (09022015). Collection method: clinical testing. Allele origin: germline.
Comment: This sequence change replaces glycine with arginine at codon 746 of the DSC2 protein (p.Gly746Arg). The glycine residue is highly conserved and there is a moderate physicochemical difference between glycine and arginine. In summary, the available evidence is currently insufficient to determine the role of this variant in disease. Therefore, it has been classified as a Variant of Uncertain Significance. Algorithms developed to predict the effect of missense changes on protein structure and function (SIFT, PolyPhen-2, Align-GVGD) all suggest that this variant is likely to be disruptive, but these predictions have not been confirmed by published functional studies and their clinical significance is uncertain. This variant has not been reported in the literature in individuals with DSC2-related conditions. This variant is not present in population databases (ExAC no frequency).